The following is an entry in ClinVar:

ClinVar aggregate classification (germline): Uncertain significance. Review status: criteria provided, multiple submitters, no conflicts (2 of 4 stars). 3 submissions from 3 submitters: Uncertain significance (3). Last evaluated 2024-10-23.

Conditions:
Emery-Dreifuss muscular dystrophy 4, autosomal dominant (EDMD4). Also called: EMERY-DREIFUSS MUSCULAR DYSTROPHY 4 WITH VARIABLE FEATURES. Identifiers: Orphanet 261, MedGen C2751807, MONDO:0013071, OMIM 612998.
Autosomal recessive ataxia, Beauce type. Also called: Spinocerebellar ataxia, autosomal recessive 8; ATAXIA, RECESSIVE, OF BEAUCE; SYNE1 Deficiency; SYNE1-Related Autosomal Recessive Cerebellar Ataxia. Identifiers: Orphanet 88644, MedGen C1853116, MONDO:0012549, OMIM 610743.

Allele frequency attached by ClinVar (database versions not stated): ExAC 0.00002; gnomAD 0.00003 and 0.00004; TOPMed 0.00004.
gnomAD v4.1: 66 of 1,614,054 alleles (0.0041%); highest among the groups gnomAD compares: Middle Eastern, 0.049%; no homozygotes.

Submissions (3):

Labcorp Genetics (formerly Invitae), Labcorp
Classification: Uncertain significance for Emery-Dreifuss muscular dystrophy 4, autosomal dominant; Autosomal recessive ataxia, Beauce type. Last evaluated: 2024-10-23. Review status: criteria provided, single submitter. Criteria: Invitae Variant Classification Sherloc (09022015). Collection method: clinical testing. Allele origin: germline.
Comment: This sequence change replaces glutamic acid, which is acidic and polar, with lysine, which is basic and polar, at codon 4893 of the SYNE1 protein (p.Glu4893Lys). This variant is present in population databases (rs780258342, gnomAD 0.006%). This variant has not been reported in the literature in individuals affected with SYNE1-related conditions. ClinVar contains an entry for this variant (Variation ID: 805554). An algorithm developed to predict the effect of missense changes on protein structure and function (PolyPhen-2) suggests that this variant is likely to be disruptive. In summary, the available evidence is currently insufficient to determine the role of this variant in disease. Therefore, it has been classified as a Variant of Uncertain Significance.

Revvity Omics, Revvity
Classification: Uncertain significance. Last evaluated: 2019-09-03. Review status: criteria provided, single submitter. Criteria: ACMG Guidelines, 2015. Collection method: clinical testing. Allele origin: germline.

Athena Diagnostics
Classification: Uncertain significance. Last evaluated: 2018-09-18. Review status: criteria provided, single submitter. Criteria: Athena Diagnostics Criteria. Collection method: clinical testing. Allele origin: germline.

NM_182961.4(SYNE1):c.14890G>A (p.Glu4964Lys)

Gene: SYNE1 (spectrin repeat containing nuclear envelope protein 1; minus strand). Cytogenetic location: 6q25.2.
Variant type: single nucleotide variant.
Coding change: c.14890G>A on transcript NM_182961.4 (MANE Select); coding-DNA position 14890, G replaced by A.
Protein change: p.Glu4964Lys; replaces glutamic acid 4964 with lysine.
Molecular consequence: missense variant.
Genome position (GRCh38, 1-based): chr6:152,329,795, C>T on the plus strand (G>A on the coding strand, the complement: SYNE1 is on the minus strand). VCF-style: chr6-152329795-C-T. GRCh37 (hg19) VCF-style: chr6-152650930-C-T.
Other names: c.14677G>A (NM_033071.3); c.14677G>A, p.Glu4893Lys (NM_033071.5); short protein forms E4893K, E4964K.
Identifiers: ClinVar variation 805554 (VCV000805554.7), dbSNP rs780258342, ClinGen allele CA4055926.